The following is an entry in ClinVar:

ClinVar aggregate classification (germline): Uncertain significance. Review status: criteria provided, multiple submitters, no conflicts (2 of 4 stars). 2 submissions from 2 submitters: Uncertain significance (2). Last evaluated 2025-12-21.

Conditions:
Familial temporal lobe epilepsy 7. Identifiers: Orphanet 101046, MedGen C4225327, MONDO:0014639, OMIM 616436.
Norman-Roberts syndrome (LIS2). Also called: Lissencephaly 2 (Norman-Roberts type). Identifiers: Orphanet 89844, MedGen C0796089, MONDO:0009760, OMIM 257320.

Allele frequency attached by ClinVar (database versions not stated): TOPMed below 0.00001; gnomAD 0.00001; gnomAD exomes 0.00001.
gnomAD v4.1: 10 of 1,613,674 alleles (0.00062%); highest among the groups gnomAD compares: Admixed American, 0.0033%; no homozygotes.

Submissions (2):

Labcorp Genetics (formerly Invitae), Labcorp
Classification: Uncertain significance for Familial temporal lobe epilepsy 7; Norman-Roberts syndrome. Last evaluated: 2025-12-21. Review status: criteria provided, single submitter. Criteria: Invitae Variant Classification Sherloc (09022015). Collection method: clinical testing. Allele origin: germline.
Comment: This sequence change replaces arginine, which is basic and polar, with cysteine, which is neutral and slightly polar, at codon 2423 of the RELN protein (p.Arg2423Cys). The frequency data for this variant in the population databases is considered unreliable, as metrics indicate poor data quality at this position in the gnomAD database. This variant has not been reported in the literature in individuals affected with RELN-related conditions. ClinVar contains an entry for this variant (Variation ID: 932028). Invitae Evidence Modeling of protein sequence and biophysical properties (such as structural, functional, and spatial information, amino acid conservation, physicochemical variation, residue mobility, and thermodynamic stability) indicates that this missense variant is not expected to disrupt RELN protein function with a negative predictive value of 80%. In summary, the available evidence is currently insufficient to determine the role of this variant in disease. Therefore, it has been classified as a Variant of Uncertain Significance.

Centre for Mendelian Genomics, University Medical Centre Ljubljana
Classification: Uncertain significance for Familial temporal lobe epilepsy 7. Last evaluated: 2016-01-01. Review status: criteria provided, single submitter. Criteria: ACMG Guidelines, 2015. Collection method: clinical testing. Allele origin: unknown. Affected: yes.
Comment: This variant was classified as: Uncertain significance. The following ACMG criteria were applied in classifying this variant: PP3,PP4.

NM_005045.4(RELN):c.7267C>T (p.Arg2423Cys)

Gene: RELN (reelin; minus strand). Cytogenetic location: 7q22.1.
Variant type: single nucleotide variant.
Coding change: c.7267C>T on transcript NM_005045.4 (MANE Select); coding-DNA position 7267, C replaced by T.
Protein change: p.Arg2423Cys; replaces arginine 2423 with cysteine.
Molecular consequence: missense variant.
Genome position (GRCh38, 1-based): chr7:103,535,398, G>A on the plus strand (C>T on the coding strand, the complement: RELN is on the minus strand). VCF-style: chr7-103535398-G-A. GRCh37 (hg19) VCF-style: chr7-103175845-G-A.
Other names: c.7267C>T, p.Arg2423Cys (NM_173054.3); short protein forms R2423C.
Identifiers: ClinVar variation 932028 (VCV000932028.12), dbSNP rs1165686675, ClinGen allele CA368768764.